The following is an entry in ClinVar:

ClinVar aggregate classification (germline): Uncertain significance. Review status: criteria provided, multiple submitters, no conflicts (2 of 4 stars). 2 submissions from 2 submitters: Uncertain significance (2). Last evaluated 2025-04-14.

Conditions:
Emery-Dreifuss muscular dystrophy 4, autosomal dominant (EDMD4). Also called: EMERY-DREIFUSS MUSCULAR DYSTROPHY 4 WITH VARIABLE FEATURES. Identifiers: Orphanet 261, MedGen C2751807, MONDO:0013071, OMIM 612998.
Autosomal recessive ataxia, Beauce type. Also called: Spinocerebellar ataxia, autosomal recessive 8; ATAXIA, RECESSIVE, OF BEAUCE; SYNE1-Related Autosomal Recessive Cerebellar Ataxia; SYNE1 Deficiency. Identifiers: Orphanet 88644, MedGen C1853116, MONDO:0012549, OMIM 610743.

Allele frequency attached by ClinVar (database versions not stated): TOPMed 0.00001.
gnomAD v4.1: 12 of 1,613,978 alleles (0.00074%); highest among the groups gnomAD compares: Middle Eastern, 0.082%; no homozygotes.

Submissions (2):

Labcorp Genetics (formerly Invitae), Labcorp
Classification: Uncertain significance for Emery-Dreifuss muscular dystrophy 4, autosomal dominant; Autosomal recessive ataxia, Beauce type. Last evaluated: 2025-04-14. Review status: criteria provided, single submitter. Criteria: Invitae Variant Classification Sherloc (09022015). Collection method: clinical testing. Allele origin: germline.
Comment: This sequence change replaces methionine, which is neutral and non-polar, with lysine, which is basic and polar, at codon 4025 of the SYNE1 protein (p.Met4025Lys). This variant is present in population databases (rs771323185, gnomAD 0.003%). This variant has not been reported in the literature in individuals affected with SYNE1-related conditions. ClinVar contains an entry for this variant (Variation ID: 949870). An algorithm developed to predict the effect of missense changes on protein structure and function (PolyPhen-2) suggests that this variant is likely to be tolerated. In summary, the available evidence is currently insufficient to determine the role of this variant in disease. Therefore, it has been classified as a Variant of Uncertain Significance.

Revvity Omics, Revvity
Classification: Uncertain significance. Last evaluated: 2023-10-31. Review status: criteria provided, single submitter. Criteria: ACMG Guidelines, 2015. Collection method: clinical testing. Allele origin: germline.

NM_182961.4(SYNE1):c.12287T>A (p.Met4096Lys)

Gene: SYNE1 (spectrin repeat containing nuclear envelope protein 1; minus strand). Cytogenetic location: 6q25.2.
Variant type: single nucleotide variant.
Coding change: c.12287T>A on transcript NM_182961.4 (MANE Select); coding-DNA position 12287, T replaced by A.
Protein change: p.Met4096Lys; replaces methionine 4096 with lysine.
Molecular consequence: missense variant.
Genome position (GRCh38, 1-based): chr6:152,339,305, A>T on the plus strand (T>A on the coding strand, the complement: SYNE1 is on the minus strand). VCF-style: chr6-152339305-A-T. GRCh37 (hg19) VCF-style: chr6-152660440-A-T.
Other names: c.12074T>A, p.Met4025Lys (NM_033071.5); short protein forms M4096K, M4025K.
Identifiers: ClinVar variation 949870 (VCV000949870.8), dbSNP rs771323185, ClinGen allele CA4056448.